The following is an entry in ClinVar:

NM_001851.6(COL9A1):c.781C>T (p.Pro261Ser)

Gene: COL9A1 (collagen type IX alpha 1 chain; minus strand). Cytogenetic location: 6q13.
Variant type: single nucleotide variant.
Coding change: c.781C>T on transcript NM_001851.6 (MANE Select); coding-DNA position 781, C replaced by T.
Protein change: p.Pro261Ser; replaces proline 261 with serine.
Molecular consequence: missense variant. On other transcripts: intron variant (3).
Genome position (GRCh38, 1-based): chr6:70,282,918, G>A on the plus strand (C>T on the coding strand, the complement: COL9A1 is on the minus strand). VCF-style: chr6-70282918-G-A. GRCh37 (hg19) VCF-style: chr6-70992621-G-A.
Other names: c.781C>T, p.Pro261Ser (NM_001377291.1); c.72+63C>T (NM_001377290.1, NM_078485.4, NM_001377289.1); short protein forms P261S.
Identifiers: ClinVar variation 2119465 (VCV002119465.1), dbSNP rs754998245, ClinGen allele CA3882683.
Genomic context (GRCh38, chr6:70,282,918, plus strand): 5'-TGCGCTTGAAAAATGCAAACACTCCCTGCCCCCAACTTACCTCGTCGGTGGTCTGGCTGG[G>A]CTGGAGAAGAAAAGATGGGGAGAAAGTGAGAAAAGCACCCCTCAAACTCGATCGCAACTT-3'
Protein context (NP_001842.3, residues 251-271): TCHELPARIT[Pro261Ser]SQTTDERGPP

ClinVar aggregate classification (germline): Uncertain significance (1 of 4 stars; one submission).

Allele frequency attached by ClinVar (database versions not stated): TOPMed below 0.00001; ExAC 0.00003.

Submission:

Labcorp Genetics (formerly Invitae), Labcorp
Classification: Uncertain significance. Last evaluated: 2022-07-03. Review status: criteria provided, single submitter. Criteria: Invitae Variant Classification Sherloc (09022015). Collection method: clinical testing. Allele origin: germline.
Comment: This sequence change replaces proline, which is neutral and non-polar, with serine, which is neutral and polar, at codon 261 of the COL9A1 protein (p.Pro261Ser). This variant is present in population databases (rs754998245, gnomAD 0.004%). This variant has not been reported in the literature in individuals affected with COL9A1-related conditions. Algorithms developed to predict the effect of missense changes on protein structure and function are either unavailable or do not agree on the potential impact of this missense change (SIFT: "Tolerated"; PolyPhen-2: "Not Available"; Align-GVGD: "Class C0"). In summary, the available evidence is currently insufficient to determine the role of this variant in disease. Therefore, it has been classified as a Variant of Uncertain Significance.